The following is an entry in ClinVar:

NM_007103.4(NDUFV1):c.679C>G (p.Pro227Ala)

Gene: NDUFV1 (NADH:ubiquinone oxidoreductase core subunit V1; plus strand). Cytogenetic location: 11q13.2.
Variant type: single nucleotide variant.
Coding change: c.679C>G on transcript NM_007103.4 (MANE Select); coding-DNA position 679, C replaced by G.
Protein change: p.Pro227Ala; replaces proline 227 with alanine.
Molecular consequence: missense variant.
Genome position (GRCh38, 1-based): chr11:67,610,549, C>G. VCF-style: chr11-67610549-C-G. GRCh37 (hg19) VCF-style: chr11-67378020-C-G.
Other names: c.652C>G, p.Pro218Ala (NM_001166102.2); short protein forms P218A, P227A.
Identifiers: ClinVar variation 3363722 (VCV003363722.1).

ClinVar aggregate classification (germline): Uncertain significance (1 of 4 stars; one submission).

Submission:

GeneDx
Classification: Uncertain significance. Last evaluated: 2023-11-07. Review status: criteria provided, single submitter. Criteria: GeneDx Variant Classification Process June 2021. Collection method: clinical testing. Allele origin: germline. Affected: yes.
Comment: Not observed at significant frequency in large population cohorts (gnomAD); In silico analysis supports that this missense variant has a deleterious effect on protein structure/function; Has not been previously published as pathogenic or benign to our knowledge